The following is an entry in ClinVar:

NM_002519.3(NPAT):c.1248T>G (p.Phe416Leu)

Gene: NPAT (nuclear protein, coactivator of histone transcription; minus strand). Cytogenetic location: 11q22.3.
Variant type: single nucleotide variant.
Coding change: c.1248T>G on transcript NM_002519.3 (MANE Select); coding-DNA position 1248, T replaced by G.
Protein change: p.Phe416Leu; replaces phenylalanine 416 with leucine.
Molecular consequence: missense variant.
Genome position (GRCh38, 1-based): chr11:108,173,736, A>C on the plus strand (T>G on the coding strand, the complement: NPAT is on the minus strand). VCF-style: chr11-108173736-A-C. GRCh37 (hg19) VCF-style: chr11-108044463-A-C.
Other names: c.1248T>G, p.Phe416Leu (NM_001321307.1); short protein forms F416L.
Identifiers: ClinVar variation 3222453 (VCV003222453.1), dbSNP rs2496722043, ClinGen allele CA382515868.
Genomic context (GRCh38, chr11:108,173,736, plus strand): 5'-CTGTTCAGTGGGTACAGCTGTTTTAAAGGCCTTTTTCTGTATGCTGGTACTTATTTGGGA[A>C]AAATTTTCCTGGTCTTCTTGTCTAAGCACATCATGGTTGTTGCTATTCTTCAAAGCATTT-3'
Protein context (NP_002510.2, residues 406-426): DVLRQEDQEN[Phe416Leu]SQISTSIQKK

ClinVar aggregate classification (germline): Uncertain significance (1 of 4 stars; one submission).

Submission:

Ambry Genetics
Classification: Uncertain significance. Last evaluated: 2024-03-02. Review status: criteria provided, single submitter. Criteria: Ambry Variant Classification Scheme 2023. Collection method: clinical testing. Allele origin: germline.
Comment: The p.F416L variant (also known as c.1248T>G), located in coding exon 13 of the NPAT gene, results from a T to G substitution at nucleotide position 1248. The phenylalanine at codon 416 is replaced by leucine, an amino acid with highly similar properties. This amino acid position is conserved. In addition, this alteration is predicted to be tolerated by in silico analysis. Based on the available evidence, the clinical significance of this alteration remains unclear.